The following is an entry in ClinVar:

NM_000384.3(APOB):c.11575G>A (p.Glu3859Lys)

Gene: APOB (apolipoprotein B; minus strand). Cytogenetic location: 2p24.1.
Variant type: single nucleotide variant.
Coding change: c.11575G>A on transcript NM_000384.3 (MANE Select); coding-DNA position 11575, G replaced by A.
Protein change: p.Glu3859Lys; replaces glutamic acid 3859 with lysine.
Molecular consequence: missense variant.
Genome position (GRCh38, 1-based): chr2:21,005,293, C>T on the plus strand (G>A on the coding strand, the complement: APOB is on the minus strand). VCF-style: chr2-21005293-C-T. GRCh37 (hg19) VCF-style: chr2-21228165-C-T.
Other names: short protein forms E3859K.
Identifiers: ClinVar variation 924323 (VCV000924323.5), dbSNP rs1378283331, ClinGen allele CA345978014.

ClinVar aggregate classification (germline): Uncertain significance (1 of 4 stars; one submission).

Conditions:
Cardiovascular phenotype. Identifiers: MedGen CN230736.

Allele frequency attached by ClinVar (database versions not stated): gnomAD exomes below 0.00001; gnomAD 0.00001; TOPMed 0.00001.
gnomAD v4.1: 3 of 1,613,932 alleles (0.00019%); highest among the groups gnomAD compares: Non-Finnish European, 0.00025%; no homozygotes.

Submission:

Ambry Genetics
Classification: Uncertain significance for Cardiovascular phenotype. Last evaluated: 2022-07-10. Review status: criteria provided, single submitter. Criteria: Ambry Variant Classification Scheme 2023. Collection method: clinical testing. Allele origin: germline.
Comment: The p.E3859K variant (also known as c.11575G>A), located in coding exon 26 of the APOB gene, results from a G to A substitution at nucleotide position 11575. The glutamic acid at codon 3859 is replaced by lysine, an amino acid with similar properties. This amino acid position is conserved. In addition, this alteration is predicted to be tolerated by in silico analysis. Since supporting evidence is limited at this time, the clinical significance of this alteration remains unclear.